The following continues an entry in ClinVar:

NM_000492.4(CFTR):c.2260G>A (p.Val754Met)

Gene: CFTR. ClinVar aggregate classification (germline): Conflicting classifications of pathogenicity. Uncertain significance (3); Benign (6); Likely benign (7).

Submissions 19 to 21 of 21:

Diagnostic Laboratory, Department of Genetics, University Medical Center Groningen
Classification: Likely benign. Review status: no assertion criteria provided. Collection method: clinical testing. Allele origin: germline. Affected: yes. Study: VKGL Data-share Consensus. Not counted in ClinVar's aggregate classification.

Genome Diagnostics Laboratory, University Medical Center Utrecht
Classification: Likely benign. Review status: no assertion criteria provided. Collection method: clinical testing. Allele origin: germline. Affected: yes. Study: VKGL Data-share Consensus. Not counted in ClinVar's aggregate classification.

Joint Genome Diagnostic Labs from Nijmegen and Maastricht, Radboudumc and MUMC+
Classification: Likely benign. Review status: no assertion criteria provided. Collection method: clinical testing. Allele origin: germline. Affected: yes. Study: VKGL Data-share Consensus. Not counted in ClinVar's aggregate classification.

Literature cited by the submitters: PubMed 34583889 (cited by Mayo Clinic Laboratories, Mayo Clinic); PubMed 35418593 (cited by Mayo Clinic Laboratories, Mayo Clinic); PubMed 35527187 (cited by Mayo Clinic Laboratories, Mayo Clinic and Quest Diagnostics Nichols Institute San Juan Capistrano); PubMed 36409994 (cited by Mayo Clinic Laboratories, Mayo Clinic); PubMed 37313453 (cited by Mayo Clinic Laboratories, Mayo Clinic); PubMed 37628659 (cited by Mayo Clinic Laboratories, Mayo Clinic); PubMed 37823318 (cited by Mayo Clinic Laboratories, Mayo Clinic); PubMed 38242629 (cited by Mayo Clinic Laboratories, Mayo Clinic); PubMed 38269366 (cited by Mayo Clinic Laboratories, Mayo Clinic); PubMed 38388235 (cited by Mayo Clinic Laboratories, Mayo Clinic); PubMed 38611676 (cited by Mayo Clinic Laboratories, Mayo Clinic); PubMed 20920895 (cited by Quest Diagnostics Nichols Institute San Juan Capistrano and Women's Health and Genetics/Laboratory Corporation of America, LabCorp); PubMed 20021716 (cited by Quest Diagnostics Nichols Institute San Juan Capistrano and Women's Health and Genetics/Laboratory Corporation of America, LabCorp); PubMed 9921909 (cited by Quest Diagnostics Nichols Institute San Juan Capistrano and Women's Health and Genetics/Laboratory Corporation of America, LabCorp); PubMed 34996830 (cited by Quest Diagnostics Nichols Institute San Juan Capistrano); PubMed 33572515 (cited by Quest Diagnostics Nichols Institute San Juan Capistrano); PubMed 25674778 (cited by Quest Diagnostics Nichols Institute San Juan Capistrano); PubMed 25797027 (cited by Quest Diagnostics Nichols Institute San Juan Capistrano and Women's Health and Genetics/Laboratory Corporation of America, LabCorp); PubMed 25910067 (cited by Quest Diagnostics Nichols Institute San Juan Capistrano and Women's Health and Genetics/Laboratory Corporation of America, LabCorp); PubMed 26888287 (cited by Quest Diagnostics Nichols Institute San Juan Capistrano and Counsyl); PubMed 11001817 (cited by Quest Diagnostics Nichols Institute San Juan Capistrano); PubMed 28603918 (cited by Quest Diagnostics Nichols Institute San Juan Capistrano); PubMed 10376575 (cited by Quest Diagnostics Nichols Institute San Juan Capistrano and Women's Health and Genetics/Laboratory Corporation of America, LabCorp); PubMed 23974870 (cited by 4 submitters); PubMed 21416780 (cited by Quest Diagnostics Nichols Institute San Juan Capistrano); PubMed 17572159 (cited by Quest Diagnostics Nichols Institute San Juan Capistrano); PubMed 17413420 (cited by Quest Diagnostics Nichols Institute San Juan Capistrano and Women's Health and Genetics/Laboratory Corporation of America, LabCorp); PubMed 16786510 (cited by 5 submitters); PubMed 10798368 (cited by 3 submitters); PubMed 15520400 (cited by Quest Diagnostics Nichols Institute San Juan Capistrano); PubMed 15987793 (cited by Quest Diagnostics Nichols Institute San Juan Capistrano and Women's Health and Genetics/Laboratory Corporation of America, LabCorp); PubMed 17003641 (cited by Quest Diagnostics Nichols Institute San Juan Capistrano and Women's Health and Genetics/Laboratory Corporation of America, LabCorp); PubMed 23670503 (cited by Quest Diagnostics Nichols Institute San Juan Capistrano and Women's Health and Genetics/Laboratory Corporation of America, LabCorp); PubMed 15151509 (cited by Quest Diagnostics Nichols Institute San Juan Capistrano and Women's Health and Genetics/Laboratory Corporation of America, LabCorp); PubMed 23276700 (cited by Quest Diagnostics Nichols Institute San Juan Capistrano and Ambry Genetics); PubMed 25824995 (cited by Quest Diagnostics Nichols Institute San Juan Capistrano and Women's Health and Genetics/Laboratory Corporation of America, LabCorp); PubMed 10077727 (cited by Women's Health and Genetics/Laboratory Corporation of America, LabCorp).